The following is an entry in ClinVar:

ClinVar aggregate classification (germline): Uncertain significance (1 of 4 stars; one submission).

Conditions:
Familial adenomatous polyposis 1 (FAP1). Also called: FAMILIAL ADENOMATOUS POLYPOSIS 1, ATTENUATED; POLYPOSIS, ADENOMATOUS INTESTINAL. Identifiers: MedGen C2713442, MONDO:0021056, OMIM 175100. Disease mechanism: loss of function.

Submission:

Labcorp Genetics (formerly Invitae), Labcorp
Classification: Uncertain significance for Familial adenomatous polyposis 1. Last evaluated: 2023-02-03. Review status: criteria provided, single submitter. Criteria: Invitae Variant Classification Sherloc (09022015). Collection method: clinical testing. Allele origin: germline.
Comment: This sequence change replaces serine, which is neutral and polar, with arginine, which is basic and polar, at codon 1403 of the APC protein (p.Ser1403Arg). This variant is not present in population databases (gnomAD no frequency). This variant has not been reported in the literature in individuals affected with APC-related conditions. ClinVar contains an entry for this variant (Variation ID: 1026608). Advanced modeling of protein sequence and biophysical properties (such as structural, functional, and spatial information, amino acid conservation, physicochemical variation, residue mobility, and thermodynamic stability) performed at Invitae indicates that this missense variant is not expected to disrupt APC protein function. In summary, the available evidence is currently insufficient to determine the role of this variant in disease. Therefore, it has been classified as a Variant of Uncertain Significance.

NM_000038.6(APC):c.4209C>A (p.Ser1403Arg)

Gene: APC (APC regulator of Wnt signaling pathway; plus strand). Cytogenetic location: 5q22.2.
Variant type: single nucleotide variant.
Coding change: c.4209C>A on transcript NM_000038.6 (MANE Select); coding-DNA position 4209, C replaced by A.
Protein change: p.Ser1403Arg; replaces serine 1403 with arginine.
Molecular consequence: missense variant.
Genome position (GRCh38, 1-based): chr5:112,839,803, C>A. VCF-style: chr5-112839803-C-A. GRCh37 (hg19) VCF-style: chr5-112175500-C-A.
Other names: c.4209C>A, p.Ser1403Arg (NM_001127510.3, NM_001354895.2); c.4155C>A, p.Ser1385Arg (NM_001127511.3); c.4263C>A, p.Ser1421Arg (NM_001354896.2); c.4239C>A, p.Ser1413Arg (NM_001354897.2); c.4134C>A, p.Ser1378Arg (NM_001354898.2); c.4125C>A, p.Ser1375Arg (NM_001354899.2); c.4086C>A, p.Ser1362Arg (NM_001354900.2); c.4032C>A, p.Ser1344Arg (NM_001354901.2); and 5 more; short protein forms S1120R, S1243R, S1277R, S1302R, S1312R, S1344R, S1362R, S1375R.
Identifiers: ClinVar variation 1026608 (VCV001026608.10), dbSNP rs1554085619, ClinGen allele CA16030553.